The following is an entry in ClinVar:

NM_030962.4(SBF2):c.580A>C (p.Ile194Leu)

Gene: SBF2 (SET binding factor 2; minus strand). Cytogenetic location: 11p15.4.
Variant type: single nucleotide variant.
Coding change: c.580A>C on transcript NM_030962.4 (MANE Select); coding-DNA position 580, A replaced by C.
Protein change: p.Ile194Leu; replaces isoleucine 194 with leucine.
Molecular consequence: missense variant.
Genome position (GRCh38, 1-based): chr11:10,028,491, T>G on the plus strand (A>C on the coding strand, the complement: SBF2 is on the minus strand). VCF-style: chr11-10028491-T-G. GRCh37 (hg19) VCF-style: chr11-10050038-T-G.
Other names: c.580A>C, p.Ile194Leu (NM_001386339.1, NM_001386342.1); short protein forms I194L.
Identifiers: ClinVar variation 959517 (VCV000959517.6), dbSNP rs746246566, ClinGen allele CA5882075.
Genomic context (GRCh38, chr11:10,028,491, plus strand): 5'-AAAATGGGAGAAAAGACATACCCAATTGCTGGAACAGGAGAGCCACACTAGTGCCCGTGA[T>G]AGGAAGACTATCATGTAAAGGAGTCTGGATCAACTGTCTATCTCCTGCACCCAAAGAAAA-3'
Protein context (NP_112224.1, residues 184-204): IQTPLHDSLP[Ile194Leu]TGTSVALLFQ

ClinVar aggregate classification (germline): Uncertain significance. Review status: criteria provided, multiple submitters, no conflicts (2 of 4 stars). 2 submissions from 2 submitters: Uncertain significance (2). Last evaluated 2023-06-07.

Conditions:
Inborn genetic diseases. Identifiers: MedGen C0950123, MeSH D030342.
Charcot-Marie-Tooth disease type 4. Also called: Charcot-Marie-Tooth disease, type IV; Charcot-Marie-Tooth, Type 4. Identifiers: Orphanet 64749, MedGen C4082197, MONDO:0018995.

Allele frequency attached by ClinVar (database versions not stated): gnomAD exomes 0.00006; TOPMed 0.00003; gnomAD 0.00002; ExAC 0.00003.
gnomAD v4.1: 23 of 1,613,712 alleles (0.0014%); highest among the groups gnomAD compares: East Asian, 0.051%; no homozygotes.

Submissions (2):

Ambry Genetics
Classification: Uncertain significance for Inborn genetic diseases. Last evaluated: 2023-06-07. Review status: criteria provided, single submitter. Criteria: Ambry Variant Classification Scheme 2023. Collection method: clinical testing. Allele origin: germline.

Labcorp Genetics (formerly Invitae), Labcorp
Classification: Uncertain significance for Charcot-Marie-Tooth disease type 4. Last evaluated: 2021-11-02. Review status: criteria provided, single submitter. Criteria: Invitae Variant Classification Sherloc (09022015). Collection method: clinical testing. Allele origin: germline.
Comment: This sequence change replaces isoleucine, which is neutral and non-polar, with leucine, which is neutral and non-polar, at codon 194 of the SBF2 protein (p.Ile194Leu). This variant is present in population databases (rs746246566, gnomAD 0.08%). This variant has not been reported in the literature in individuals affected with SBF2-related conditions. ClinVar contains an entry for this variant (Variation ID: 959517). Algorithms developed to predict the effect of missense changes on protein structure and function (SIFT, PolyPhen-2, Align-GVGD) all suggest that this variant is likely to be tolerated. In summary, the available evidence is currently insufficient to determine the role of this variant in disease. Therefore, it has been classified as a Variant of Uncertain Significance.